The following is an entry in ClinVar:

NM_058216.3(RAD51C):c.966-2427_966-2426delinsCT

Gene: RAD51C (RAD51 paralog C; plus strand). Cytogenetic location: 17q22.
Variant type: Indel.
Coding change: c.966-2427_966-2426delinsCT on transcript NM_058216.3 (MANE Select); 2427 bases into the intron before coding-DNA position 966 through 2426 bases into the intron before coding-DNA position 966, GG replaced by CT.
Molecular consequence: intron variant.
Genome position (GRCh38, 1-based): chr17:58,730,057-58,730,058, GG replaced by CT. VCF-style: chr17-58730057-GG-CT. GRCh37 (hg19) VCF-style: chr17-56807418-GG-CT.
Identifiers: ClinVar variation 3765803 (VCV003765803.1).
Genomic context (GRCh38, chr17:58,730,057, plus strand): 5'-CCAATTTTTCAGAAGGCTAGCTGATTTTCATCATTCAAAAAATGACTTCTTAATAAGGCA[GG>CT]TTAAAATACACCTTGCCTCTCTTTTTCTGTGAATTTTTGCATTAAAGATAGATTATCAAC-3'

ClinVar aggregate classification (germline): Uncertain significance (1 of 4 stars; one submission).

Submission:

Greenwood Genetic Center Diagnostic Laboratories, Greenwood Genetic Center
Classification: Uncertain significance. Last evaluated: 2024-12-03. Review status: criteria provided, single submitter. Criteria: ACMG Guidelines, 2015. Collection method: clinical testing. Allele origin: germline. Affected: yes.
Comment: PM2